The following is an entry in ClinVar:

ClinVar aggregate classification (germline): Uncertain significance. Review status: criteria provided, multiple submitters, no conflicts (2 of 4 stars). 3 submissions from 3 submitters: Uncertain significance (3). Last evaluated 2024-04-24.

Conditions:
Fanconi anemia (FA). Also called: Fanconi's anemia. Identifiers: Orphanet 84, MedGen C0015625, MeSH D005199, MONDO:0019391.
Fanconi anemia complementation group F. Also called: FANCF-Related Fanconi Anemia. Identifiers: Orphanet 84, MedGen C3469526, MONDO:0011325, OMIM 603467.

Allele frequency attached by ClinVar (database versions not stated): TOPMed 0.00002.
gnomAD v4.1: 5 of 1,614,160 alleles (0.00031%); highest among the groups gnomAD compares: Non-Finnish European, 0.00034%; no homozygotes.

Submissions (3):

Fulgent Genetics
Classification: Uncertain significance for Fanconi anemia complementation group F. Last evaluated: 2024-04-24. Review status: criteria provided, single submitter. Criteria: ACMG Guidelines, 2015. Collection method: clinical testing. Allele origin: germline.

Labcorp Genetics (formerly Invitae), Labcorp
Classification: Uncertain significance for Fanconi anemia. Last evaluated: 2023-12-11. Review status: criteria provided, single submitter. Criteria: Invitae Variant Classification Sherloc (09022015). Collection method: clinical testing. Allele origin: germline.
Comment: This sequence change replaces arginine, which is basic and polar, with histidine, which is basic and polar, at codon 355 of the FANCF protein (p.Arg355His). This variant is present in population databases (rs758175326, gnomAD 0.002%). This variant has not been reported in the literature in individuals affected with FANCF-related conditions. ClinVar contains an entry for this variant (Variation ID: 877894). Algorithms developed to predict the effect of missense changes on protein structure and function output the following: SIFT: "Not Available"; PolyPhen-2: "Benign"; Align-GVGD: "Not Available". The histidine amino acid residue is found in multiple mammalian species, which suggests that this missense change does not adversely affect protein function. In summary, the available evidence is currently insufficient to determine the role of this variant in disease. Therefore, it has been classified as a Variant of Uncertain Significance.

Illumina Laboratory Services, Illumina
Classification: Uncertain significance for Fanconi anemia complementation group F. Last evaluated: 2018-01-13. Review status: criteria provided, single submitter. Criteria: ICSL Variant Classification Criteria 13 December 2019. Collection method: clinical testing. Allele origin: germline.

NM_022725.4(FANCF):c.1064G>A (p.Arg355His)

Genes: FANCF (FA complementation group F; minus strand), LOC130005443 (ATAC-STARR-seq lymphoblastoid active region 4533; plus strand). Cytogenetic location: 11p14.3.
Variant type: single nucleotide variant.
Coding change: c.1064G>A on transcript NM_022725.4 (MANE Select); coding-DNA position 1064, G replaced by A.
Protein change: p.Arg355His; replaces arginine 355 with histidine.
Molecular consequence: missense variant.
Genome position (GRCh38, 1-based): chr11:22,624,747, C>T on the plus strand (G>A on the coding strand, the complement: FANCF is on the minus strand). VCF-style: chr11-22624747-C-T. GRCh37 (hg19) VCF-style: chr11-22646293-C-T.
Other names: short protein forms R355H.
Identifiers: ClinVar variation 877894 (VCV000877894.8), dbSNP rs758175326, ClinGen allele CA5924196.